The following is an entry in ClinVar:

NM_012463.4(ATP6V0A2):c.2166G>C (p.Ala722=)

Gene: ATP6V0A2 (ATPase H+ transporting V0 subunit a2; plus strand). Cytogenetic location: 12q24.31.
Variant type: single nucleotide variant.
Coding change: c.2166G>C on transcript NM_012463.4 (MANE Select); coding-DNA position 2166, G replaced by C.
Protein change: p.Ala722=; no amino-acid change (alanine 722 retained).
Molecular consequence: synonymous variant.
Genome position (GRCh38, 1-based): chr12:123,752,393, G>C. VCF-style: chr12-123752393-G-C. GRCh37 (hg19) VCF-style: chr12-124236940-G-C.
Identifiers: ClinVar variation 4998964 (VCV004998964.1).

ClinVar aggregate classification (germline): Likely benign (1 of 4 stars; one submission).

Conditions:
ATP6V0A2-related disorder. Also called: ATP6V0A2-related condition.

gnomAD v4.1: 2 of 1,614,028 alleles (0.00012%); highest among the groups gnomAD compares: Non-Finnish European, 0.00017%; no homozygotes.

Submission:

PreventionGenetics, part of Exact Sciences
Classification: Likely benign for ATP6V0A2-related condition. Last evaluated: 2026-06-23. Review status: criteria provided, single submitter. Criteria: ACMG Guidelines, 2015. Collection method: clinical testing. Allele origin: germline.
Comment: This variant is classified as likely benign based on ACMG/AMP sequence variant interpretation guidelines (Richards et al. 2015 PMID: 25741868, with internal and published modifications).